The following is an entry in ClinVar:

NM_005120.3(MED12):c.6291G>A (p.Gln2097=)

Gene: MED12 (mediator complex subunit 12; plus strand). Cytogenetic location: Xq13.1.
Variant type: single nucleotide variant.
Coding change: c.6291G>A on transcript NM_005120.3 (MANE Select); coding-DNA position 6291, G replaced by A.
Protein change: p.Gln2097=; no amino-acid change (glutamine 2097 retained).
Molecular consequence: synonymous variant.
Genome position (GRCh38, 1-based): chrX:71,141,253, G>A. VCF-style: chrX-71141253-G-A. GRCh37 (hg19) VCF-style: chrX-70361103-G-A.
Identifiers: ClinVar variation 458824 (VCV000458824.25), dbSNP rs756285149, ClinGen allele CA10444917.

ClinVar aggregate classification (germline): Likely benign. Review status: criteria provided, multiple submitters, no conflicts (2 of 4 stars). 4 submissions from 4 submitters: Likely benign (3). 1 of the submissions does not count toward it. Last evaluated 2026-01-01.

Conditions:
MED12-Related Disorders. Also called: MED12-related disorder; MED12-related condition. Identifiers: MedGen CN381102.
FG syndrome (FGS). Identifiers: MedGen C0220769, MONDO:0002010.
Familial thoracic aortic aneurysm and aortic dissection (TAAD). Also called: Thoracic aortic aneurysms and dissections. Identifiers: Orphanet 91387, MedGen C4707243, MONDO:0019625.

Allele frequency attached by ClinVar (database versions not stated): gnomAD exomes 0.00001 and 0.00003; ExAC 0.00007; 1000 Genomes Project 0.00053.

Submissions (4):

CeGaT Center for Human Genetics Tuebingen
Classification: Likely benign. Last evaluated: 2026-01-01. Review status: criteria provided, single submitter. Criteria: CeGaT Center For Human Genetics Tuebingen Variant Classification Criteria Version 2. Collection method: clinical testing. Allele origin: germline. Affected: yes. Observed: 2 variant alleles.
Comment: MED12: BP4, BP7

Ambry Genetics
Classification: Likely benign for Familial thoracic aortic aneurysm and aortic dissection. Last evaluated: 2023-05-04. Review status: criteria provided, single submitter. Criteria: Ambry Variant Classification Scheme 2023. Collection method: clinical testing. Allele origin: germline.

Labcorp Genetics (formerly Invitae), Labcorp
Classification: Likely benign for FG syndrome. Last evaluated: 2022-11-10. Review status: criteria provided, single submitter. Criteria: Invitae Variant Classification Sherloc (09022015). Collection method: clinical testing. Allele origin: germline.

PreventionGenetics, part of Exact Sciences
Classification: Likely benign for MED12-related condition. Last evaluated: 2021-03-31. Review status: no assertion criteria provided. Collection method: clinical testing. Allele origin: germline. Not counted in ClinVar's aggregate classification.
Comment: This variant is classified as likely benign based on ACMG/AMP sequence variant interpretation guidelines (Richards et al. 2015 PMID: 25741868, with internal and published modifications).